The following is an entry in ClinVar:

ClinVar aggregate classification (germline): Likely benign. Review status: criteria provided, multiple submitters, no conflicts (2 of 4 stars). 3 submissions from 3 submitters: Likely benign (3). Last evaluated 2025-10-26.

Conditions:
Dilated cardiomyopathy 1DD (CMD1DD). Identifiers: Orphanet 154, MedGen C2750995, MONDO:0013168, OMIM 613172.
Cardiovascular phenotype. Identifiers: MedGen CN230736.

Allele frequency attached by ClinVar (database versions not stated): gnomAD exomes 0.00001; TOPMed 0.00001; gnomAD 0.00002.
gnomAD v4.1: 13 of 1,551,534 alleles (0.00084%); highest among the groups gnomAD compares: African/African-American, 0.0068%; no homozygotes.

Submissions (3):

Labcorp Genetics (formerly Invitae), Labcorp
Classification: Likely benign for Dilated cardiomyopathy 1DD. Last evaluated: 2025-10-26. Review status: criteria provided, single submitter. Criteria: Invitae Variant Classification Sherloc (09022015). Collection method: clinical testing. Allele origin: germline.

Ambry Genetics
Classification: Likely benign for Cardiovascular phenotype. Last evaluated: 2024-05-25. Review status: criteria provided, single submitter. Criteria: Ambry Variant Classification Scheme 2023. Collection method: clinical testing. Allele origin: germline.

GeneDx
Classification: Likely benign. Last evaluated: 2016-11-17. Review status: criteria provided, single submitter. Criteria: GeneDx Variant Classification (06012015). Collection method: clinical testing. Allele origin: germline. Affected: yes.
Comment: This variant is considered likely benign or benign based on one or more of the following criteria: it is a conservative change, it occurs at a poorly conserved position in the protein, it is predicted to be benign by multiple in silico algorithms, and/or has population frequency not consistent with disease.

NM_001134363.3(RBM20):c.2214G>A (p.Pro738=)

Gene: RBM20 (RNA binding motif protein 20; plus strand). Cytogenetic location: 10q25.2.
Variant type: single nucleotide variant.
Coding change: c.2214G>A on transcript NM_001134363.3 (MANE Select); coding-DNA position 2214, G replaced by A.
Protein change: p.Pro738=; no amino-acid change (proline 738 retained).
Molecular consequence: synonymous variant.
Genome position (GRCh38, 1-based): chr10:110,812,611, G>A. VCF-style: chr10-110812611-G-A. GRCh37 (hg19) VCF-style: chr10-112572369-G-A.
Other names: c.2214G>A (LRG_382t1).
Identifiers: ClinVar variation 390769 (VCV000390769.9), dbSNP rs1057523887, ClinGen allele CA16606623.